The following is an entry in ClinVar:

ClinVar aggregate classification (germline): Pathogenic (1 of 4 stars; one submission).

Submission:

Labcorp Genetics (formerly Invitae), Labcorp
Classification: Pathogenic. Last evaluated: 2025-09-24. Review status: criteria provided, single submitter. Criteria: Invitae Variant Classification Sherloc (09022015). Collection method: clinical testing. Allele origin: germline.
Comment: This sequence change is expected to alter the c-terminus of the RS1 protein (p.Asn172Thrfs*65). While this is not anticipated to result in nonsense mediated decay, it is expected to disrupt the last 53 amino acid(s) of the RS1 protein and extend the protein by 11 additional amino acid residues. This variant is not present in population databases (gnomAD no frequency). This frameshift has been observed in individual(s) with retinoschisis (internal data). This variant results in an extension of the RS1 protein. Other variant(s) that result in a similarly extended protein product (p.Met214Trpfs*23) have been determined to be pathogenic (PMID: 10415464). This suggests that these extensions are likely to be disease-causing. For these reasons, this variant has been classified as Pathogenic.

Literature cited by the submitters: PubMed 10415464.

NM_000330.4(RS1):c.515del (p.Asn172fs)

Genes: CDKL5 (cyclin dependent kinase like 5; plus strand), RS1 (retinoschisin 1; minus strand). Cytogenetic location: Xp22.13.
Variant type: Deletion.
Coding change: c.515del on transcript NM_000330.4 (MANE Select); coding-DNA position 515, one base deleted (A; older notation c.515delA).
Protein change: p.Asn172fs; shifts the reading frame from asparagine 172.
Molecular consequence: frameshift variant. On other transcripts: intron variant (2).
Genome position (GRCh38, 1-based): chrX:18,644,437, T deleted on the plus strand (A on the coding strand, the reverse complement: RS1 is on the minus strand); the first of 3 consecutive T bases (chrX:18,644,437-18,644,439); deleting any one gives the same sequence. VCF-style (leftmost placement, unchanged base first): chrX-18644436-GT-G. GRCh37 (hg19) VCF-style: chrX-18662556-GT-G.
Other names: c.2714-1568del (NM_003159.3, NM_001037343.2); short protein forms N172fs.
Identifiers: ClinVar variation 4710848 (VCV004710848.1).